The following is an entry in ClinVar:

ClinVar aggregate classification (germline): Uncertain significance. Review status: criteria provided, multiple submitters, no conflicts (2 of 4 stars). 5 submissions from 5 submitters: Uncertain significance (5). Last evaluated 2024-09-22.

Conditions:
Inborn genetic diseases. Identifiers: MedGen C0950123, MeSH D030342.
Cleft lip/palate-ectodermal dysplasia syndrome (CLPED1). Also called: ECTODERMAL DYSPLASIA, CLEFT LIP AND PALATE, MENTAL RETARDATION, AND SYNDACTYLY; ECTODERMAL DYSPLASIA, MARGARITA ISLAND TYPE; ECTODERMAL DYSPLASIA, TYPE 4; ZLOTOGORA-OGUR SYNDROME; Zlotogora syndrome. Identifiers: Orphanet 3253, MedGen C2931488, MONDO:0009151, OMIM 225060.

Allele frequency attached by ClinVar (database versions not stated): ESP Exome Variant Server 0.00008; TOPMed 0.00008.

Submissions (5):

Genomic Medicine Center of Excellence, King Faisal Specialist Hospital and Research Centre
Classification: Uncertain significance for Cleft lip/palate-ectodermal dysplasia syndrome. Last evaluated: 2024-09-22. Review status: criteria provided, single submitter. Criteria: ACMG Guidelines, 2015. Collection method: clinical testing. Allele origin: germline.

Labcorp Genetics (formerly Invitae), Labcorp
Classification: Uncertain significance. Last evaluated: 2024-06-10. Review status: criteria provided, single submitter. Criteria: Invitae Variant Classification Sherloc (09022015). Collection method: clinical testing. Allele origin: germline.
Comment: This sequence change replaces proline, which is neutral and non-polar, with glutamine, which is neutral and polar, at codon 340 of the NECTIN1 protein (p.Pro340Gln). This variant is present in population databases (rs375956459, gnomAD 0.01%). This variant has not been reported in the literature in individuals affected with NECTIN1-related conditions. ClinVar contains an entry for this variant (Variation ID: 879026). An algorithm developed to predict the effect of missense changes on protein structure and function (PolyPhen-2) suggests that this variant is likely to be tolerated. In summary, the available evidence is currently insufficient to determine the role of this variant in disease. Therefore, it has been classified as a Variant of Uncertain Significance.

Ambry Genetics
Classification: Uncertain significance for Inborn genetic diseases. Last evaluated: 2021-09-16. Review status: criteria provided, single submitter. Criteria: Ambry Variant Classification Scheme 2023. Collection method: clinical testing. Allele origin: germline.

Illumina Laboratory Services, Illumina
Classification: Uncertain significance for Cleft lip/palate-ectodermal dysplasia syndrome. Last evaluated: 2018-01-13. Review status: criteria provided, single submitter. Criteria: ICSL Variant Classification Criteria 13 December 2019. Collection method: clinical testing. Allele origin: germline.

Breakthrough Genomics
Classification: Uncertain significance. Review status: criteria provided, single submitter. Criteria: ACMG Guidelines, 2015. Collection method: not provided. Allele origin: germline. Inheritance: Autosomal recessive inheritance. Affected: yes.

NM_002855.5(NECTIN1):c.1019C>A (p.Pro340Gln)

Gene: NECTIN1 (nectin cell adhesion molecule 1; minus strand). Cytogenetic location: 11q23.3.
Variant type: single nucleotide variant.
Coding change: c.1019C>A on transcript NM_002855.5 (MANE Select); coding-DNA position 1019, C replaced by A.
Protein change: p.Pro340Gln; replaces proline 340 with glutamine.
Molecular consequence: missense variant. On other transcripts: intron variant (1).
Genome position (GRCh38, 1-based): chr11:119,665,282, G>T on the plus strand (C>A on the coding strand, the complement: NECTIN1 is on the minus strand). VCF-style: chr11-119665282-G-T. GRCh37 (hg19) VCF-style: chr11-119535992-G-T.
Other names: c.1003+9877C>A (NM_203285.2); short protein forms P340Q.
Identifiers: ClinVar variation 879026 (VCV000879026.10), dbSNP rs375956459, ClinGen allele CA6321891.